The following is an entry in ClinVar:

NM_000234.3(LIG1):c.368C>A (p.Thr123Lys)

Gene: LIG1 (DNA ligase 1; minus strand). Cytogenetic location: 19q13.33.
Variant type: single nucleotide variant.
Coding change: c.368C>A on transcript NM_000234.3 (MANE Select); coding-DNA position 368, C replaced by A.
Protein change: p.Thr123Lys; replaces threonine 123 with lysine.
Molecular consequence: missense variant. On other transcripts: non-coding transcript variant (6).
Genome position (GRCh38, 1-based): chr19:48,157,016, G>T on the plus strand (C>A on the coding strand, the complement: LIG1 is on the minus strand). VCF-style: chr19-48157016-G-T. GRCh37 (hg19) VCF-style: chr19-48660273-G-T.
Other names: c.278C>A, p.Thr93Lys (NM_001289063.2, NM_001320971.2); c.368C>A, p.Thr123Lys (NM_001289064.2, NM_001320970.2); c.368C>A (NM_000234.1); short protein forms T93K, T123K.
Identifiers: ClinVar variation 1509426 (VCV001509426.7), dbSNP rs2035891481, ClinGen allele CA406658671.

ClinVar aggregate classification (germline): Uncertain significance. Review status: criteria provided, multiple submitters, no conflicts (2 of 4 stars). 2 submissions from 2 submitters: Uncertain significance (2). Last evaluated 2025-10-30.

Allele frequency attached by ClinVar (database versions not stated): TOPMed below 0.00001.

Submissions (2):

Ambry Genetics
Classification: Uncertain significance. Last evaluated: 2025-10-30. Review status: criteria provided, single submitter. Criteria: Ambry Variant Classification Scheme 2023. Collection method: clinical testing. Allele origin: germline.

Labcorp Genetics (formerly Invitae), Labcorp
Classification: Uncertain significance. Last evaluated: 2021-10-12. Review status: criteria provided, single submitter. Criteria: Invitae Variant Classification Sherloc (09022015). Collection method: clinical testing. Allele origin: germline.
Comment: This sequence change replaces threonine with lysine at codon 123 of the LIG1 protein (p.Thr123Lys). The threonine residue is moderately conserved and there is a moderate physicochemical difference between threonine and lysine. This variant is not present in population databases (ExAC no frequency). This variant has not been reported in the literature in individuals affected with LIG1-related conditions. Algorithms developed to predict the effect of missense changes on protein structure and function are either unavailable or do not agree on the potential impact of this missense change (SIFT: "Deleterious"; PolyPhen-2: "Probably Damaging"; Align-GVGD: "Class C0"). In summary, the available evidence is currently insufficient to determine the role of this variant in disease. Therefore, it has been classified as a Variant of Uncertain Significance.